The following is an entry in ClinVar:

NM_004972.4(JAK2):c.1096G>C (p.Val366Leu)

Genes: INSL6 (insulin like 6; minus strand), JAK2 (Janus kinase 2; plus strand). Cytogenetic location: 9p24.1.
Variant type: single nucleotide variant.
Coding change: c.1096G>C on transcript NM_004972.4 (MANE Select); coding-DNA position 1096, G replaced by C.
Protein change: p.Val366Leu; replaces valine 366 with leucine.
Molecular consequence: missense variant. On other transcripts: 5 prime UTR variant (2), non-coding transcript variant (2).
Genome position (GRCh38, 1-based): chr9:5,064,922, G>C. VCF-style: chr9-5064922-G-C. GRCh37 (hg19) VCF-style: chr9-5064922-G-C.
Other names: c.1096G>C, p.Val366Leu (NM_001322194.2, NM_001322195.2, NM_001322196.2); c.-120G>C (NM_001322198.2, NM_001322199.2); c.649G>C, p.Val217Leu (NM_001322204.2); short protein forms V217L, V366L.
Identifiers: ClinVar variation 5002327 (VCV005002327.1).

ClinVar aggregate classification (germline): Uncertain significance (1 of 4 stars; one submission).

Conditions:
JAK2-related disorder. Also called: JAK2-related condition.

gnomAD v4.1: 12 of 1,594,430 alleles (0.00075%); highest among the groups gnomAD compares: South Asian, 0.01%; no homozygotes.

Submission:

PreventionGenetics, part of Exact Sciences
Classification: Uncertain significance for JAK2-related condition. Last evaluated: 2026-05-22. Review status: criteria provided, single submitter. Criteria: ACMG Guidelines, 2015. Collection method: clinical testing. Allele origin: germline.
Comment: The JAK2 c.1096G>C variant is predicted to result in the amino acid substitution p.Val366Leu. This variant has been reported in a cohort study with autism spectrum disorder (Reported as p.Val217Leu, Supplementary data, Jiao et al. 2019. PubMed ID: 31838722). This variant is reported in 0.011% of alleles in individuals of South Asian descent in gnomAD. At this time, the clinical significance of this variant is uncertain due to the absence of conclusive functional and genetic evidence.